The following is an entry in ClinVar:

ClinVar aggregate classification (germline): Uncertain significance (1 of 4 stars; one submission).

Submission:

Labcorp Genetics (formerly Invitae), Labcorp
Classification: Uncertain significance. Last evaluated: 2022-08-25. Review status: criteria provided, single submitter. Criteria: Invitae Variant Classification Sherloc (09022015). Collection method: clinical testing. Allele origin: germline.
Comment: This sequence change replaces glutamic acid, which is acidic and polar, with aspartic acid, which is acidic and polar, at codon 1048 of the POLE protein (p.Glu1048Asp). This variant is not present in population databases (gnomAD no frequency). This variant has not been reported in the literature in individuals affected with POLE-related conditions. Algorithms developed to predict the effect of missense changes on protein structure and function are either unavailable or do not agree on the potential impact of this missense change (SIFT: "Tolerated"; PolyPhen-2: "Possibly Damaging"; Align-GVGD: "Class C0"). In summary, the available evidence is currently insufficient to determine the role of this variant in disease. Therefore, it has been classified as a Variant of Uncertain Significance.

NM_006231.4(POLE):c.3144G>T (p.Glu1048Asp)

Gene: POLE (DNA polymerase epsilon, catalytic subunit; minus strand). Cytogenetic location: 12q24.33.
Variant type: single nucleotide variant.
Coding change: c.3144G>T on transcript NM_006231.4 (MANE Select); coding-DNA position 3144, G replaced by T.
Protein change: p.Glu1048Asp; replaces glutamic acid 1048 with aspartic acid.
Molecular consequence: missense variant.
Genome position (GRCh38, 1-based): chr12:132,659,426, C>A on the plus strand (G>T on the coding strand, the complement: POLE is on the minus strand). VCF-style: chr12-132659426-C-A. GRCh37 (hg19) VCF-style: chr12-133236012-C-A.
Other names: short protein forms E1048D.
Identifiers: ClinVar variation 1717997 (VCV001717997.5), dbSNP rs2138677229, ClinGen allele CA387390974.
Genomic context (GRCh38, chr12:132,659,426, plus strand): 5'-CATCTGGTCTCCCAGGAACTCGGCCAGGCGCTTTGCTGTGCTGATGGACGTAGACTTCTG[C>A]TCCCCGTAATCTTCCAGCTTCCGAGACATGGAACGGTTCTCAGAGATGAGCTCGAATAGC-3'
Protein context (NP_006222.2, residues 1038-1058): SMSRKLEDYG[Glu1048Asp]QKSTSISTAK